The following is an entry in ClinVar:

NM_015599.3(PGM3):c.1030G>C (p.Val344Leu)

Gene: PGM3 (phosphoglucomutase 3; minus strand). Cytogenetic location: 6q14.1.
Variant type: single nucleotide variant.
Coding change: c.1030G>C on transcript NM_015599.3 (MANE Select); coding-DNA position 1030, G replaced by C.
Protein change: p.Val344Leu; replaces valine 344 with leucine.
Molecular consequence: missense variant. On other transcripts: non-coding transcript variant (1).
Genome position (GRCh38, 1-based): chr6:83,176,060, C>G on the plus strand (G>C on the coding strand, the complement: PGM3 is on the minus strand). VCF-style: chr6-83176060-C-G. GRCh37 (hg19) VCF-style: chr6-83885779-C-G.
Other names: c.1114G>C, p.Val372Leu (NM_001199917.2, NM_001367287.1); c.787G>C, p.Val263Leu (NM_001199918.2); c.1030G>C, p.Val344Leu (NM_001199919.2, NM_001367286.1); short protein forms V372L, V263L, V344L.
Identifiers: ClinVar variation 1391439 (VCV001391439.6), dbSNP rs2128490985, ClinGen allele CA364880745.
Genomic context (GRCh38, chr6:83,176,060, plus strand): 5'-CAAACTCTTGAGCCTTGTGGTGCAAATGTTTTACACCAGTCTTAGTGCAATAGACAGGTA[C>G]CTATAACACATGCATTTAAAGAAATACAGCAATTACTCAGATGTCAAATGTTTCTTGCAT-3'
Protein context (NP_056414.1, residues 334-354): STRYLEEVMK[Val344Leu]PVYCTKTGVK

ClinVar aggregate classification (germline): Uncertain significance (1 of 4 stars; one submission).

Conditions:
Immunodeficiency 23 (IMD23). Also called: IMMUNODEFICIENCY WITH HYPER IgE AND COGNITIVE IMPAIRMENT; IMMUNODEFICIENCY-VASCULITIS-MYOCLONUS SYNDROME. Identifiers: Orphanet 443811, MedGen C4014371, MONDO:0014353, OMIM 615816.

Submission:

Labcorp Genetics (formerly Invitae), Labcorp
Classification: Uncertain significance for Immunodeficiency 23. Last evaluated: 2023-11-27. Review status: criteria provided, single submitter. Criteria: Invitae Variant Classification Sherloc (09022015). Collection method: clinical testing. Allele origin: germline.
Comment: This sequence change replaces valine, which is neutral and non-polar, with leucine, which is neutral and non-polar, at codon 372 of the PGM3 protein (p.Val372Leu). This variant is not present in population databases (gnomAD no frequency). This variant has not been reported in the literature in individuals affected with PGM3-related conditions. ClinVar contains an entry for this variant (Variation ID: 1391439). An algorithm developed to predict the effect of missense changes on protein structure and function (PolyPhen-2) suggests that this variant is likely to be tolerated. Algorithms developed to predict the effect of sequence changes on RNA splicing suggest that this variant may disrupt the consensus splice site. In summary, the available evidence is currently insufficient to determine the role of this variant in disease. Therefore, it has been classified as a Variant of Uncertain Significance.